The following is an entry in ClinVar:

NC_012920.1(MT-TS1):m.7476C>T

Gene: MT-TS1 (mitochondrially encoded tRNA serine 1 (UCN); minus strand).
Variant type: single nucleotide variant.
Genome position: chrM-7476-C-T.
Identifiers: ClinVar variation 42228 (VCV000042228.5), dbSNP rs201950015, ClinGen allele CA131013.
Genomic context (GRCh38, chrMT:7,476, plus strand): 5'-TTCGAAGAACCCGTATACATAAAATCTAGACAAAAAAGGAAGGAATCGAACCCCCCAAAG[C>T]TGGTTTCAAGCCAACCCCATGGCCTCCATGACTTTTTCAAAAAGGTATTAGAAAAACCAT-3'

ClinVar aggregate classification (germline): Benign. Review status: reviewed by expert panel (3 of 4 stars). 3 submissions from 3 submitters: Benign (1). 2 of the submissions do not count toward it. Last evaluated 2022-01-10.

Conditions:
Mitochondrial disease. Also called: Mitochondrial disorder; Mitochondrial disorders. Identifiers: Orphanet 68380, MedGen C0751651, MeSH D028361, MONDO:0044970.
MELAS syndrome (MELAS). Also called: Juvenile myopathy, encephalopathy, lactic acidosis, stroke. Identifiers: Orphanet 550, MedGen C0162671, MONDO:0010789, OMIM 540000.

Submissions (3):

ClinGen Mitochondrial Disease Nuclear and Mitochondrial  Variant Curation Expert Panel, ClinGen
Classification: Benign for Mitochondrial disease. Last evaluated: 2022-01-10. Review status: reviewed by expert panel. Criteria: clingen mito disease acmg specifications v1-1. Collection method: curation. Allele origin: germline. Inheritance: Mitochondrial inheritance.
Comment: The m.7476C>T variant in MT-TS1 was reviewed by the Mitochondrial Disease Nuclear and Mitochondrial Variant Curation Expert Panel as part of the variant pilot for mitochondrial DNA variant specifications (McCormick et al., 2020; PMID: 32906214). This variant is seen in 1.310% of individuals in the GenBank dataset (BA1), including in haplogroups J2a (99.7% of individuals) and J2b (98.85% of individuals). Furthermore, this variant is seen in the gnomAD dataset (v3.1.2) at an overall homoplasmic allele frequency of 1% including in haplogroup J at 20%. If an affected individual is not a member this haplogroup, further evaluation of the variant in that particular individual should be considered. The computational predictor MitoTIP suggests this variant does not impact the function of this tRNA with a score in the 20th percentile, as does HmtVar with a score of 0.1 (BP4). In summary, this variant meets criteria to be classified as benign. This classification was approved by the NICHD U24 Mitochondrial Disease Variant Curation Expert Panel as of August 20, 2020. Mitochondrial DNA-specific ACMG/AMP criteria applied: BA1, BP4.

Wong Mito Lab, Molecular and Human Genetics, Baylor College of Medicine
Classification: Benign for MELAS syndrome. Last evaluated: 2019-07-12. Review status: criteria provided, single submitter. Criteria: Modified ACMG Guidelines (Unpublished). Collection method: clinical testing. Allele origin: germline. Not counted in ClinVar's aggregate classification.
Comment: The NC_012920.1:m.7476C>T variant in MT-TS1 gene is interpreted to be a Benign variant based on the modified ACMG guidelines (unpublished). This variant meets the following evidence codes reported in the guidelines: BS1, BS2, BP4

Laboratory for Molecular Medicine, Mass General Brigham Personalized Medicine
Classification: Likely benign. Last evaluated: 2013-10-16. Review status: criteria provided, single submitter. Criteria: LMM Criteria. Collection method: clinical testing. Allele origin: germline. Observed: 30 variant alleles. Not counted in ClinVar's aggregate classification.
Comment: m.7476C>T in MT-TS1: This variant is not expected to have clinical significance because it has been observed at equal frequencies in Caucasian individuals with hearing loss and in the general population (Houshmand 1994, Thomas 1996, Sternbe rg 1998, Li 2004, Konings 2008, mtDB-Human Mitochondrial Genome Database).

Literature cited by the submitters: PubMed 31965079 (cited by Wong Mito Lab, Molecular and Human Genetics, Baylor College of Medicine); PubMed 8155739 (cited by Laboratory for Molecular Medicine, Mass General Brigham Personalized Medicine); PubMed 8728705 (cited by Laboratory for Molecular Medicine, Mass General Brigham Personalized Medicine); PubMed 9384601 (cited by Laboratory for Molecular Medicine, Mass General Brigham Personalized Medicine); PubMed 15286157 (cited by Laboratory for Molecular Medicine, Mass General Brigham Personalized Medicine); PubMed 18790089 (cited by Laboratory for Molecular Medicine, Mass General Brigham Personalized Medicine); PubMed 21621438 (cited by Laboratory for Molecular Medicine, Mass General Brigham Personalized Medicine); PubMed 19371214 (cited by Laboratory for Molecular Medicine, Mass General Brigham Personalized Medicine).